The following is an entry in ClinVar:

ClinVar aggregate classification (germline): Likely benign (1 of 4 stars; one submission).

Submission:

GeneDx
Classification: Likely benign. Last evaluated: 2025-02-04. Review status: criteria provided, single submitter. Criteria: GeneDx Variant Classification Process June 2021. Collection method: clinical testing. Allele origin: germline. Affected: yes.
Comment: See Variant Classification Assertion Criteria.

NM_006852.6(TLK2):c.2144G>C (p.Cys715Ser)

Gene: TLK2 (tousled like kinase 2; plus strand). Cytogenetic location: 17q23.2.
Variant type: single nucleotide variant.
Coding change: c.2144G>C on transcript NM_006852.6 (MANE Select); coding-DNA position 2144, G replaced by C.
Protein change: p.Cys715Ser; replaces cysteine 715 with serine.
Molecular consequence: missense variant.
Genome position (GRCh38, 1-based): chr17:62,612,456, G>C. VCF-style: chr17-62612456-G-C. GRCh37 (hg19) VCF-style: chr17-60689817-G-C.
Other names: c.2210G>C, p.Cys737Ser (NM_001284333.3); c.2048G>C, p.Cys683Ser (NM_001284363.1, NM_001375272.1); c.1697G>C, p.Cys566Ser (NM_001330418.3, NM_001375273.1); c.2186G>C, p.Cys729Ser (NM_001375269.1); c.2144G>C, p.Cys715Ser (NM_001375270.1, NM_001375271.1); c.1859G>C, p.Cys620Ser (NM_001411074.1); short protein forms C566S, C620S, C683S, C715S, C729S, C737S.
Identifiers: ClinVar variation 3372921 (VCV003372921.2).
Genomic context (GRCh38, chr17:62,612,456, plus strand): 5'-TTATTCGACGATGCTTGGCCTACCGAAAGGAGGACCGCATTGATGTCCAGCAGCTGGCCT[G>C]TGATCCCTACTTGTTGCCTCACATCCGAAAGTCAGTCTCTACAAGTAGCCCTGCTGGAGC-3'
Protein context (NP_006843.2, residues 705-725): EDRIDVQQLA[Cys715Ser]DPYLLPHIRK